The following is an entry in ClinVar:

NM_004204.5(PIGQ):c.734C>G (p.Ser245Cys)

Gene: PIGQ (phosphatidylinositol glycan anchor biosynthesis class Q; plus strand). Cytogenetic location: 16p13.3.
Variant type: single nucleotide variant.
Coding change: c.734C>G on transcript NM_004204.5 (MANE Select); coding-DNA position 734, C replaced by G.
Protein change: p.Ser245Cys; replaces serine 245 with cysteine.
Molecular consequence: missense variant.
Genome position (GRCh38, 1-based): chr16:575,883, C>G. VCF-style: chr16-575883-C-G. GRCh37 (hg19) VCF-style: chr16-625883-C-G.
Other names: c.734C>G, p.Ser245Cys (NM_148920.4); short protein forms S245C.
Identifiers: ClinVar variation 2119001 (VCV002119001.2), dbSNP rs777701657, ClinGen allele CA394051669.

ClinVar aggregate classification (germline): Uncertain significance (1 of 4 stars; one submission).

Conditions:
Epilepsy. Also called: Seizure disorder. Identifiers: MedGen C0014544, MeSH D004827, MONDO:0005027.

Allele frequency attached by ClinVar (database versions not stated): TOPMed below 0.00001.

Submission:

Labcorp Genetics (formerly Invitae), Labcorp
Classification: Uncertain significance for Epilepsy. Last evaluated: 2024-02-12. Review status: criteria provided, single submitter. Criteria: Invitae Variant Classification Sherloc (09022015). Collection method: clinical testing. Allele origin: germline.
Comment: This sequence change replaces serine, which is neutral and polar, with cysteine, which is neutral and slightly polar, at codon 245 of the PIGQ protein (p.Ser245Cys). This variant is not present in population databases (gnomAD no frequency). This variant has not been reported in the literature in individuals affected with PIGQ-related conditions. ClinVar contains an entry for this variant (Variation ID: 2119001). Algorithms developed to predict the effect of missense changes on protein structure and function output the following: SIFT: "Not Available"; PolyPhen-2: "Benign"; Align-GVGD: "Not Available". The cysteine amino acid residue is found in multiple mammalian species, which suggests that this missense change does not adversely affect protein function. In summary, the available evidence is currently insufficient to determine the role of this variant in disease. Therefore, it has been classified as a Variant of Uncertain Significance.